The following is an entry in ClinVar:

NM_003098.3(SNTA1):c.616C>T (p.Pro206Ser)

Gene: SNTA1 (syntrophin alpha 1; minus strand). Cytogenetic location: 20q11.21.
Variant type: single nucleotide variant.
Coding change: c.616C>T on transcript NM_003098.3 (MANE Select); coding-DNA position 616, C replaced by T.
Protein change: p.Pro206Ser; replaces proline 206 with serine.
Molecular consequence: missense variant.
Genome position (GRCh38, 1-based): chr20:33,417,804, G>A on the plus strand (C>T on the coding strand, the complement: SNTA1 is on the minus strand). VCF-style: chr20-33417804-G-A. GRCh37 (hg19) VCF-style: chr20-32005610-G-A.
Other names: c.616C>T, p.Pro206Ser (NM_001424413.1, NM_001424414.1); short protein forms P206S.
Identifiers: ClinVar variation 2911961 (VCV002911961.5), dbSNP rs745916117, ClinGen allele CA9817185.

ClinVar aggregate classification (germline): Conflicting classifications of pathogenicity. Review status: criteria provided, conflicting classifications (1 of 4 stars). 3 submissions from 3 submitters: Uncertain significance (2); Likely benign (1). Last evaluated 2025-01-29.

Conditions:
Cardiovascular phenotype. Identifiers: MedGen CN230736.
Long QT syndrome (LQTS). Identifiers: MedGen C0023976, MeSH D008133, MONDO:0002442. Disease mechanism: loss of function. Inheritance: Various modes of inheritance.

Allele frequency attached by ClinVar (database versions not stated): ExAC 0.00001; TOPMed 0.00002.

Submissions (3):

Labcorp Genetics (formerly Invitae), Labcorp
Classification: Uncertain significance for Long QT syndrome. Last evaluated: 2025-01-29. Review status: criteria provided, single submitter. Criteria: Invitae Variant Classification Sherloc (09022015). Collection method: clinical testing. Allele origin: germline.
Comment: This sequence change replaces proline, which is neutral and non-polar, with serine, which is neutral and polar, at codon 206 of the SNTA1 protein (p.Pro206Ser). This variant is present in population databases (rs745916117, gnomAD 0.02%). This variant has not been reported in the literature in individuals affected with SNTA1-related conditions. ClinVar contains an entry for this variant (Variation ID: 2911961). Invitae Evidence Modeling of protein sequence and biophysical properties (such as structural, functional, and spatial information, amino acid conservation, physicochemical variation, residue mobility, and thermodynamic stability) indicates that this missense variant is not expected to disrupt SNTA1 protein function with a negative predictive value of 80%. In summary, the available evidence is currently insufficient to determine the role of this variant in disease. Therefore, it has been classified as a Variant of Uncertain Significance.

Ambry Genetics
Classification: Likely benign for Cardiovascular phenotype. Last evaluated: 2024-03-04. Review status: criteria provided, single submitter. Criteria: Ambry Variant Classification Scheme 2023. Collection method: clinical testing. Allele origin: germline.

GeneDx
Classification: Uncertain significance. Last evaluated: 2023-12-20. Review status: criteria provided, single submitter. Criteria: GeneDx Variant Classification Process June 2021. Collection method: clinical testing. Allele origin: germline. Affected: yes.
Comment: Has not been previously published as pathogenic or benign to our knowledge; In silico analysis supports that this missense variant does not alter protein structure/function